The following is an entry in ClinVar:

NC_000006.11:g.(?_75833644)_(75847315_?)del

Gene: COL12A1 (collagen type XII alpha 1 chain; minus strand). Cytogenetic location: 6q13.
Variant type: Deletion.
Identifiers: ClinVar variation 2425087 (VCV002425087.5).

ClinVar aggregate classification (germline): Uncertain significance (1 of 4 stars; one submission).

Conditions:
Ullrich congenital muscular dystrophy 2 (UCMD2). Identifiers: Orphanet 75840, MedGen C4225314, MONDO:0014654, OMIM 616470.
Bethlem myopathy 2 (BTHLM2). Identifiers: Orphanet 536516, Orphanet 610, MedGen C4225313, MONDO:0034022, OMIM 616471.

Submission:

Labcorp Genetics (formerly Invitae), Labcorp
Classification: Uncertain significance for Bethlem myopathy 2; Ullrich congenital muscular dystrophy 2. Last evaluated: 2022-03-20. Review status: criteria provided, single submitter. Criteria: Invitae Variant Classification Sherloc (09022015). Collection method: clinical testing. Allele origin: germline.
Comment: In summary, the available evidence is currently insufficient to determine the role of this variant in disease. Therefore, it has been classified as a Variant of Uncertain Significance. This variant has not been reported in the literature in individuals affected with COL12A1-related conditions. This variant is a gross deletion of the genomic region encompassing exon(s) 31-42 of the COL12A1 gene. This variant would be expected to be in-frame, preserving the integrity of the reading frame.